The following is an entry in ClinVar:

ClinVar aggregate classification (germline): Uncertain significance. Review status: criteria provided, multiple submitters, no conflicts (2 of 4 stars). 3 submissions from 3 submitters: Uncertain significance (3). Last evaluated 2025-03-01.

Conditions:
Alstrom syndrome (ALMS). Identifiers: Orphanet 64, MedGen C0268425, MONDO:0008763, OMIM 203800.
Cardiovascular phenotype. Identifiers: MedGen CN230736.

Allele frequency attached by ClinVar (database versions not stated): gnomAD exomes below 0.00001; ExAC 0.00001.
gnomAD v4.1: 4 of 1,614,160 alleles (0.00025%); highest among the groups gnomAD compares: African/African-American, 0.0013%; no homozygotes.

Submissions (3):

Ambry Genetics
Classification: Uncertain significance for Cardiovascular phenotype. Last evaluated: 2025-03-01. Review status: criteria provided, single submitter. Criteria: Ambry Variant Classification Scheme 2023. Collection method: clinical testing. Allele origin: germline.
Comment: The p.Q2927K variant (also known as c.8779C>A), located in coding exon 10 of the ALMS1 gene, results from a C to A substitution at nucleotide position 8779. The glutamine at codon 2927 is replaced by lysine, an amino acid with similar properties. This amino acid position is not well conserved in available vertebrate species. In addition, this alteration is predicted to be tolerated by in silico analysis. Based on the available evidence, the clinical significance of this variant remains unclear.

GeneDx
Classification: Uncertain significance. Last evaluated: 2024-06-10. Review status: criteria provided, single submitter. Criteria: GeneDx Variant Classification Process June 2021. Collection method: clinical testing. Allele origin: germline. Affected: yes.
Comment: Not observed at significant frequency in large population cohorts (gnomAD); Has not been previously published as pathogenic or benign to our knowledge; In silico analysis does not support a benign or deleterious effect of this variant on protein structure/function

Labcorp Genetics (formerly Invitae), Labcorp
Classification: Uncertain significance for Alstrom syndrome. Last evaluated: 2022-08-07. Review status: criteria provided, single submitter. Criteria: Invitae Variant Classification Sherloc (09022015). Collection method: clinical testing. Allele origin: germline.
Comment: This sequence change replaces glutamine, which is neutral and polar, with lysine, which is basic and polar, at codon 2927 of the ALMS1 protein (p.Gln2927Lys). This variant is present in population databases (rs765779200, gnomAD 0.0009%). This variant has not been reported in the literature in individuals affected with ALMS1-related conditions. Experimental studies and prediction algorithms are not available or were not evaluated, and the functional significance of this variant is currently unknown. In summary, the available evidence is currently insufficient to determine the role of this variant in disease. Therefore, it has been classified as a Variant of Uncertain Significance.

NM_001378454.1(ALMS1):c.8776C>A (p.Gln2926Lys)

Gene: ALMS1 (ALMS1 centrosome and basal body associated protein; plus strand). Cytogenetic location: 2p13.1.
Variant type: single nucleotide variant.
Coding change: c.8776C>A on transcript NM_001378454.1 (MANE Select); coding-DNA position 8776, C replaced by A.
Protein change: p.Gln2926Lys; replaces glutamine 2926 with lysine.
Molecular consequence: missense variant.
Genome position (GRCh38, 1-based): chr2:73,490,735, C>A. VCF-style: chr2-73490735-C-A. GRCh37 (hg19) VCF-style: chr2-73717862-C-A.
Other names: c.8779C>A, p.Gln2927Lys (NM_015120.4); short protein forms Q2927K, Q2926K.
Identifiers: ClinVar variation 1906074 (VCV001906074.4), dbSNP rs765779200, ClinGen allele CA1714539.
Genomic context (GRCh38, chr2:73,490,735, plus strand): 5'-CCCTCTCCTCAACATCAGGATTATGTAGCTCCAGACCTTCCTTCTTGCATTTTTCTTGAA[C>A]AACGAGAACTCTTTGAACAGTGCAAAGCCCCATATGTAGATCATCAAATGAGAGAAAACC-3'
Protein context (NP_001365383.1, residues 2916-2936): PDLPSCIFLE[Gln2926Lys]RELFEQCKAP